The following is an entry in ClinVar:

ClinVar aggregate classification (germline): Uncertain significance (1 of 4 stars; one submission).

Allele frequency attached by ClinVar (database versions not stated): ExAC 0.00001; ESP Exome Variant Server 0.00008; 1000 Genomes Project 0.00020; 1000 Genomes Project 30x 0.00031.
gnomAD v4.1: 29 of 1,613,830 alleles (0.0018%); highest among the groups gnomAD compares: South Asian, 0.0044%; 1 homozygote.

Submission:

GeneDx
Classification: Uncertain significance. Last evaluated: 2022-10-03. Review status: criteria provided, single submitter. Criteria: GeneDx Variant Classification Process June 2021. Collection method: clinical testing. Allele origin: germline. Affected: yes.
Comment: In silico analysis supports that this missense variant does not alter protein structure/function; Has not been previously published as pathogenic or benign to our knowledge

NM_002473.6(MYH9):c.3914C>T (p.Ala1305Val)

Gene: MYH9 (myosin heavy chain 9; minus strand). Cytogenetic location: 22q12.3.
Variant type: single nucleotide variant.
Coding change: c.3914C>T on transcript NM_002473.6 (MANE Select); coding-DNA position 3914, C replaced by T.
Protein change: p.Ala1305Val; replaces alanine 1305 with valine.
Molecular consequence: missense variant.
Genome position (GRCh38, 1-based): chr22:36,293,787, G>A on the plus strand (C>T on the coding strand, the complement: MYH9 is on the minus strand). VCF-style: chr22-36293787-G-A. GRCh37 (hg19) VCF-style: chr22-36689833-G-A.
Other names: short protein forms A1305V.
Identifiers: ClinVar variation 1707980 (VCV001707980.2), dbSNP rs141904682, ClinGen allele CA10209521.